The following is an entry in ClinVar:

ClinVar aggregate classification (germline): Uncertain significance (1 of 4 stars; one submission).

Allele frequency attached by ClinVar (database versions not stated): gnomAD 0.00001; TOPMed 0.00002; ExAC 0.00004.

Submission:

CeGaT Center for Human Genetics Tuebingen
Classification: Uncertain significance. Last evaluated: 2023-11-01. Review status: criteria provided, single submitter. Criteria: CeGaT Center For Human Genetics Tuebingen Variant Classification Criteria Version 2. Collection method: clinical testing. Allele origin: germline. Affected: yes. Observed: 1 variant allele.
Comment: PLEKHG2: PM2

NM_022835.3(PLEKHG2):c.468C>T (p.Tyr156=)

Gene: PLEKHG2 (pleckstrin homology and RhoGEF domain containing G2; plus strand). Cytogenetic location: 19q13.2.
Variant type: single nucleotide variant.
Coding change: c.468C>T on transcript NM_022835.3 (MANE Select); coding-DNA position 468, C replaced by T.
Protein change: p.Tyr156=; no amino-acid change (tyrosine 156 retained).
Molecular consequence: synonymous variant.
Genome position (GRCh38, 1-based): chr19:39,415,428, C>T. VCF-style: chr19-39415428-C-T. GRCh37 (hg19) VCF-style: chr19-39906068-C-T.
Other names: c.291C>T, p.Tyr97= (NM_001351693.2); c.468C>T, p.Tyr156= (NM_001351694.2).
Identifiers: ClinVar variation 2672764 (VCV002672764.23), dbSNP rs768835015, ClinGen allele CA9429067.
Genomic context (GRCh38, chr19:39,415,428, plus strand): 5'-GGTCCTGGGGCTGAGCGTGGAGCAGGTGGGCACGCTGTTTGCCAACATTGAGGACATCTA[C>T]GAGTTCAGCAGGTCAGGGGCAGGGGGGACAGGCAGGGGGCATTGATTGGTTGGAGGGTCT-3'
Protein context (NP_073746.2, residues 146-166): GTLFANIEDI[Tyr156=]EFSSELLEDL